The following is an entry in ClinVar:

NM_005585.5(SMAD6):c.1110G>C (p.Gln370His)

Gene: SMAD6 (SMAD family member 6; plus strand). Cytogenetic location: 15q22.31.
Variant type: single nucleotide variant.
Coding change: c.1110G>C on transcript NM_005585.5 (MANE Select); coding-DNA position 1110, G replaced by C.
Protein change: p.Gln370His; replaces glutamine 370 with histidine.
Molecular consequence: missense variant. On other transcripts: non-coding transcript variant (1).
Genome position (GRCh38, 1-based): chr15:66,781,154, G>C. VCF-style: chr15-66781154-G-C. GRCh37 (hg19) VCF-style: chr15-67073492-G-C.
Other names: short protein forms Q370H.
Identifiers: ClinVar variation 4772687 (VCV004772687.1).

ClinVar aggregate classification (germline): Uncertain significance (1 of 4 stars; one submission).

Conditions:
Aortic valve disease 2 (AOVD2). Identifiers: MedGen C3542024, MONDO:0013902, OMIM 614823.

gnomAD v4.1: 2 of 1,608,138 alleles (0.00012%); highest among the groups gnomAD compares: African/African-American, 0.0013%; no homozygotes.

Submission:

Labcorp Genetics (formerly Invitae), Labcorp
Classification: Uncertain significance for Aortic valve disease 2. Last evaluated: 2025-11-22. Review status: criteria provided, single submitter. Criteria: Invitae Variant Classification Sherloc (09022015). Collection method: clinical testing. Allele origin: germline.
Comment: This sequence change replaces glutamine, which is neutral and polar, with histidine, which is basic and polar, at codon 370 of the SMAD6 protein (p.Gln370His). This variant is not present in population databases (gnomAD no frequency). This variant has not been reported in the literature in individuals affected with SMAD6-related conditions. Invitae Evidence Modeling of protein sequence and biophysical properties (such as structural, functional, and spatial information, amino acid conservation, physicochemical variation, residue mobility, and thermodynamic stability) indicates that this missense variant is not expected to disrupt SMAD6 protein function with a negative predictive value of 80%. In summary, the available evidence is currently insufficient to determine the role of this variant in disease. Therefore, it has been classified as a Variant of Uncertain Significance.